The following is an entry in ClinVar:

NM_000520.6(HEXA):c.1393G>A (p.Asp465Asn)

Gene: HEXA (hexosaminidase subunit alpha; minus strand). Cytogenetic location: 15q23.
Variant type: single nucleotide variant.
Coding change: c.1393G>A on transcript NM_000520.6 (MANE Select); coding-DNA position 1393, G replaced by A.
Protein change: p.Asp465Asn; replaces aspartic acid 465 with asparagine.
Molecular consequence: missense variant. On other transcripts: non-coding transcript variant (1).
Genome position (GRCh38, 1-based): chr15:72,346,263, C>T on the plus strand (G>A on the coding strand, the complement: HEXA is on the minus strand). VCF-style: chr15-72346263-C-T. GRCh37 (hg19) VCF-style: chr15-72638604-C-T.
Other names: c.1426G>A, p.Asp476Asn (NM_001318825.2); c.1393G>A (NM_000520.5); short protein forms D465N, D476N.
Identifiers: ClinVar variation 555154 (VCV000555154.25), dbSNP rs750727201, ClinGen allele CA7644706.

ClinVar aggregate classification (germline): Conflicting classifications of pathogenicity. Review status: criteria provided, conflicting classifications (1 of 4 stars). 7 submissions from 7 submitters: Likely pathogenic (5); Uncertain significance (1). 1 of the submissions does not count toward it. Last evaluated 2026-10-16.

Conditions:
HEXA-related disorder. Also called: HEXA-related condition.
Inborn genetic diseases. Identifiers: MedGen C0950123, MeSH D030342.
Tay-Sachs disease (TSD). Also called: Hexosaminidase A Deficiency; HEXA Disorders; GM2 gangliosidosis, type 1; Hexosaminidase alpha-subunit deficiency (variant B); Sphingolipidosis, Tay-Sachs; HEXA DEFICIENCY. Identifiers: Orphanet 845, MedGen C0039373, MONDO:0010100, OMIM 272800.

Allele frequency attached by ClinVar (database versions not stated): gnomAD exomes 0.00001 and 0.00005; TOPMed 0.00001; ExAC 0.00001; gnomAD 0.00001.
gnomAD v4.1: 76 of 1,613,822 alleles (0.0047%); highest among the groups gnomAD compares: Non-Finnish European, 0.0064%; no homozygotes.

Submissions (7):

GeneDx
Classification: Uncertain significance. Last evaluated: 2026-10-16. Review status: criteria provided, single submitter. Criteria: GeneDx Variant Classification Process June 2021. Collection method: clinical testing. Allele origin: germline.
Comment: Not observed at significant frequency in large population cohorts (gnomAD); In silico analysis supports that this missense variant has a deleterious effect on protein structure/function; This variant is associated with the following publications: (PMID: 24583203, 24498621, 11317368)

Labcorp Genetics (formerly Invitae), Labcorp
Classification: Likely pathogenic for Tay-Sachs disease. Last evaluated: 2026-01-22. Review status: criteria provided, single submitter. Criteria: Invitae Variant Classification Sherloc (09022015). Collection method: clinical testing. Allele origin: germline.
Comment: This sequence change replaces aspartic acid, which is acidic and polar, with asparagine, which is neutral and polar, at codon 465 of the HEXA protein (p.Asp465Asn). This variant is present in population databases (rs750727201, gnomAD 0.003%). This missense change has been observed in individual(s) with Tay Sachs disease (PMID: 11317368; internal data). In at least one individual the data is consistent with being in trans (on the opposite chromosome) from a pathogenic variant. It has also been observed to segregate with disease in related individuals. ClinVar contains an entry for this variant (Variation ID: 555154). Invitae Evidence Modeling of protein sequence and biophysical properties (such as structural, functional, and spatial information, amino acid conservation, physicochemical variation, residue mobility, and thermodynamic stability) has been performed for this missense variant. However, the output from this modeling did not meet the statistical confidence thresholds required to predict the impact of this variant on HEXA protein function. In summary, the currently available evidence indicates that the variant is pathogenic, but additional data are needed to prove that conclusively. Therefore, this variant has been classified as Likely Pathogenic.

PreventionGenetics, part of Exact Sciences
Classification: Likely pathogenic for HEXA-related condition. Last evaluated: 2025-12-23. Review status: criteria provided, single submitter. Criteria: ACMG Guidelines, 2015. Collection method: clinical testing. Allele origin: germline.
Comment: The HEXA c.1393G>A variant is predicted to result in the amino acid substitution p.Asp465Asn. This variant has been reported in the homozygous state in an individual with Tay-Sachs disease (TSD), and several heterozygous family members were enzymatically confirmed to be TSD carriers (Alvarez-Rodriguez et al. 2001. PubMed ID: 11317368). This variant is reported in 0.0029% of alleles in individuals of Latino descent in gnomAD. This variant is interpreted as likely pathogenic.

Natera, Inc.
Classification: Likely pathogenic for Tay-Sachs disease. Last evaluated: 2025-10-09. Review status: criteria provided, single submitter. Criteria: Natera Variant Classification Schema (03/2026). Collection method: clinical testing. Allele origin: germline.
Comment: The c.1393G>A variant in HEXA is a missense variant predicted to cause substitution of aspartic acid to asparagine at amino acid 465. This variant is rare in the general population with a frequency below the threshold expected for the associated phenotype(s). This variant has been observed in one or more individuals affected with the associated recessive disease, as either homozygous or compound heterozygous with a second variant (PMID: 11317368). Additionally, this variant has been observed to segregate in affected family members (PMID: 11317368). This variant has been identified in one or more affected individual with a phenotype highly consistent with the associated gene (PMID: 11317368). Computational prediction algorithms indicate this variant is likely to affect gene or protein function. Given the available evidence, this variant is classified as Likely Pathogenic.

Women's Health and Genetics/Laboratory Corporation of America, LabCorp
Classification: Likely pathogenic for Tay-Sachs disease. Last evaluated: 2025-05-02. Review status: criteria provided, single submitter. Criteria: LabCorp Variant Classification Summary - May 2015. Collection method: clinical testing. Allele origin: germline.
Comment: Variant summary: HEXA c.1393G>A (p.Asp465Asn) results in a conservative amino acid change located in the Glycoside hydrolase family 20, catalytic domain (IPR015883) of the encoded protein sequence. Algorithms developed to predict the effect of missense changes on protein structure and function are either unavailable or do not agree on the potential impact of this missense change. The variant allele was found at a frequency of 1.2e-05 in 251186 control chromosomes. c.1393G>A has been observed in individual(s) affected with Tay-Sachs Disease (Alvarez-Rodriguez_2001, internal data). These data indicate that the variant may be associated with disease. To our knowledge, no experimental evidence demonstrating an impact on protein function has been reported. The following publications have been ascertained in the context of this evaluation (PMID: 11317368, 24583203). ClinVar contains an entry for this variant (Variation ID: 555154). Based on the evidence outlined above, the variant was classified as likely pathogenic.

Ambry Genetics
Classification: Likely pathogenic for Inborn genetic diseases. Last evaluated: 2022-02-17. Review status: criteria provided, single submitter. Criteria: Ambry Variant Classification Scheme 2023. Collection method: clinical testing. Allele origin: germline.
Comment: The c.1393G>A (p.D465N) alteration is located in exon 12 (coding exon 12) of the HEXA gene. This alteration results from a G to A substitution at nucleotide position 1393, causing the aspartic acid (D) at amino acid position 465 to be replaced by an asparagine (N). Based on data from gnomAD, the A allele has an overall frequency of 0.001% (3/251186) total alleles studied. The highest observed frequency was 0.003% (1/34554) of Latino alleles. This alteration has been reported homozygous in a patient with Tay Sachs disease. There was no hepatomegaly or splenomegaly. His parents were enzymatically confirmed as Tay Sachs carriers and were found to be heterozygous for the c.1393G>A alteration (Alvarez-Rodr&iacute;guez, 2001). This amino acid position is highly conserved in available vertebrate species. This alteration is predicted to be tolerated by in silico analysis. Based on the available evidence, this alteration is classified as likely pathogenic.

Counsyl
Classification: Uncertain significance for Tay-Sachs disease. Last evaluated: 2017-11-19. Review status: no assertion criteria provided. Collection method: clinical testing. Allele origin: unknown. Not counted in ClinVar's aggregate classification.

Literature cited by the submitters: PubMed 11317368 (cited by 5 submitters); PubMed 24583203 (cited by Women's Health and Genetics/Laboratory Corporation of America, LabCorp); PubMed 24498621 (cited by Counsyl).